The following is an entry in ClinVar:

ClinVar aggregate classification (germline): Uncertain significance (1 of 4 stars; one submission).

gnomAD v4.1: 1 of 1,614,180 alleles (0.000062%); highest among the groups gnomAD compares: Non-Finnish European, 0.000085%; no homozygotes.

Submission:

Labcorp Genetics (formerly Invitae), Labcorp
Classification: Uncertain significance. Last evaluated: 2024-06-28. Review status: criteria provided, single submitter. Criteria: Invitae Variant Classification Sherloc (09022015). Collection method: clinical testing. Allele origin: germline.
Comment: This sequence change replaces proline, which is neutral and non-polar, with alanine, which is neutral and non-polar, at codon 1564 of the TRRAP protein (p.Pro1564Ala). This variant is not present in population databases (gnomAD no frequency). This variant has not been reported in the literature in individuals affected with TRRAP-related conditions. Advanced modeling of protein sequence and biophysical properties (such as structural, functional, and spatial information, amino acid conservation, physicochemical variation, residue mobility, and thermodynamic stability) performed at Invitae indicates that this missense variant is not expected to disrupt TRRAP protein function with a negative predictive value of 80%. In summary, the available evidence is currently insufficient to determine the role of this variant in disease. Therefore, it has been classified as a Variant of Uncertain Significance.

NM_001375524.1(TRRAP):c.4765C>G (p.Pro1589Ala)

Gene: TRRAP (transformation/transcription domain associated protein; plus strand). Cytogenetic location: 7q22.1.
Variant type: single nucleotide variant.
Coding change: c.4765C>G on transcript NM_001375524.1 (MANE Select); coding-DNA position 4765, C replaced by G.
Protein change: p.Pro1589Ala; replaces proline 1589 with alanine.
Molecular consequence: missense variant.
Genome position (GRCh38, 1-based): chr7:98,948,662, C>G. VCF-style: chr7-98948662-C-G. GRCh37 (hg19) VCF-style: chr7-98546285-C-G.
Other names: c.4744C>G, p.Pro1582Ala (NM_001244580.2); c.4690C>G, p.Pro1564Ala (NM_003496.4); short protein forms P1582A, P1564A, P1589A.
Identifiers: ClinVar variation 3694337 (VCV003694337.2).